The following is an entry in ClinVar:

NM_182961.4(SYNE1):c.15350T>C (p.Met5117Thr)

Gene: SYNE1 (spectrin repeat containing nuclear envelope protein 1; minus strand). Cytogenetic location: 6q25.2.
Variant type: single nucleotide variant.
Coding change: c.15350T>C on transcript NM_182961.4 (MANE Select); coding-DNA position 15350, T replaced by C.
Protein change: p.Met5117Thr; replaces methionine 5117 with threonine.
Molecular consequence: missense variant.
Genome position (GRCh38, 1-based): chr6:152,326,046, A>G on the plus strand (T>C on the coding strand, the complement: SYNE1 is on the minus strand). VCF-style: chr6-152326046-A-G. GRCh37 (hg19) VCF-style: chr6-152647181-A-G.
Other names: p.Met5046Thr; c.15137T>C (NM_033071.3); c.15137T>C, p.Met5046Thr (NM_033071.5); short protein forms M5046T, M5117T.
Identifiers: ClinVar variation 284130 (VCV000284130.15), dbSNP rs150761564, ClinGen allele CA4055814.

ClinVar aggregate classification (germline): Uncertain significance. Review status: criteria provided, multiple submitters, no conflicts (2 of 4 stars). 6 submissions from 6 submitters: Uncertain significance (6). Last evaluated 2024-03-16.

Conditions:
Autosomal recessive ataxia, Beauce type. Also called: Spinocerebellar ataxia, autosomal recessive 8; ATAXIA, RECESSIVE, OF BEAUCE; SYNE1-Related Autosomal Recessive Cerebellar Ataxia; SYNE1 Deficiency. Identifiers: Orphanet 88644, MedGen C1853116, MONDO:0012549, OMIM 610743.
Emery-Dreifuss muscular dystrophy 4, autosomal dominant (EDMD4). Also called: EMERY-DREIFUSS MUSCULAR DYSTROPHY 4 WITH VARIABLE FEATURES. Identifiers: Orphanet 261, MedGen C2751807, MONDO:0013071, OMIM 612998.
Inborn genetic diseases. Identifiers: MedGen C0950123, MeSH D030342.

Allele frequency attached by ClinVar (database versions not stated): ExAC 0.00001; gnomAD exomes 0.00003 and 0.00004; gnomAD 0.00009; TOPMed 0.00009; ESP Exome Variant Server 0.00023.
gnomAD v4.1: 60 of 1,614,074 alleles (0.0037%); highest among the groups gnomAD compares: Non-Finnish European, 0.0042%; no homozygotes.

Submissions (6):

GeneDx
Classification: Uncertain significance. Last evaluated: 2024-03-16. Review status: criteria provided, single submitter. Criteria: GeneDx Variant Classification Process June 2021. Collection method: clinical testing. Allele origin: germline. Affected: yes.
Comment: In silico analysis supports that this missense variant has a deleterious effect on protein structure/function; Has not been previously published as pathogenic or benign to our knowledge

Mayo Clinic Laboratories, Mayo Clinic
Classification: Uncertain significance. Last evaluated: 2023-12-13. Review status: criteria provided, single submitter. Criteria: ACMG Guidelines, 2015. Collection method: clinical testing. Allele origin: germline. Observed: 1 variant allele.

Labcorp Genetics (formerly Invitae), Labcorp
Classification: Uncertain significance for Emery-Dreifuss muscular dystrophy 4, autosomal dominant; Autosomal recessive ataxia, Beauce type. Last evaluated: 2022-09-13. Review status: criteria provided, single submitter. Criteria: Invitae Variant Classification Sherloc (09022015). Collection method: clinical testing. Allele origin: germline.
Comment: This sequence change replaces methionine, which is neutral and non-polar, with threonine, which is neutral and polar, at codon 5046 of the SYNE1 protein (p.Met5046Thr). This variant is present in population databases (rs150761564, gnomAD 0.01%). This variant has not been reported in the literature in individuals affected with SYNE1-related conditions. ClinVar contains an entry for this variant (Variation ID: 284130). Algorithms developed to predict the effect of missense changes on protein structure and function (SIFT, PolyPhen-2, Align-GVGD) all suggest that this variant is likely to be disruptive. In summary, the available evidence is currently insufficient to determine the role of this variant in disease. Therefore, it has been classified as a Variant of Uncertain Significance.

Ambry Genetics
Classification: Uncertain significance for Inborn genetic diseases. Last evaluated: 2021-08-12. Review status: criteria provided, single submitter. Criteria: Ambry Variant Classification Scheme 2023. Collection method: clinical testing. Allele origin: germline.

Revvity Omics, Revvity
Classification: Uncertain significance. Last evaluated: 2021-04-16. Review status: criteria provided, single submitter. Criteria: ACMG Guidelines, 2015. Collection method: clinical testing. Allele origin: germline.

Eurofins Ntd Llc (ga)
Classification: Uncertain significance. Last evaluated: 2015-11-06. Review status: criteria provided, single submitter. Criteria: EGL Classification Definitions 2015. Collection method: clinical testing. Allele origin: germline. Observed: 1 variant allele, 1 heterozygote.